The following is an entry in ClinVar:

NM_000180.4(GUCY2D):c.2837C>T (p.Ala946Val)

Gene: GUCY2D (guanylate cyclase 2D, retinal; plus strand). Cytogenetic location: 17p13.1.
Variant type: single nucleotide variant.
Coding change: c.2837C>T on transcript NM_000180.4 (MANE Select); coding-DNA position 2837, C replaced by T.
Protein change: p.Ala946Val; replaces alanine 946 with valine.
Molecular consequence: missense variant.
Genome position (GRCh38, 1-based): chr17:8,015,395, C>T. VCF-style: chr17-8015395-C-T. GRCh37 (hg19) VCF-style: chr17-7918713-C-T.
Other names: short protein forms A946V.
Identifiers: ClinVar variation 98576 (VCV000098576.3), dbSNP rs61750180, ClinGen allele CA226099.

ClinVar aggregate classification (germline): Conflicting classifications of pathogenicity. Review status: criteria provided, conflicting classifications (1 of 4 stars). 3 submissions from 3 submitters: Likely pathogenic (1); Uncertain significance (1). 1 of the submissions does not count toward it. Last evaluated 2025-07-22.

Conditions:
Autosomal recessive GUCY2D-related disorders.
Cone-rod dystrophy 6 (CORD6). Also called: RETINAL CONE DYSTROPHY 2; Cone dystrophy progressive. Identifiers: Orphanet 1872, MedGen C1866293, MONDO:0011143, OMIM 601777.
Leber congenital amaurosis 1 (LCA1). Also called: Congenital absence of the rods and cones; Leber's congenital tapetoretinal degeneration; Leber's congenital tapetoretinal dysplasia; RETINAL BLINDNESS, CONGENITAL; AMAUROSIS CONGENITA OF LEBER I. Identifiers: Orphanet 65, MedGen C2931258, MONDO:0008764, OMIM 204000.

Allele frequency attached by ClinVar (database versions not stated): gnomAD exomes below 0.00001; TOPMed below 0.00001; ExAC 0.00001; gnomAD 0.00001.

Submissions (3):

Variantyx, Inc.
Classification: Likely pathogenic for Autosomal recessive GUCY2D-related disorders. Last evaluated: 2025-07-22. Review status: criteria provided, single submitter. Criteria: Variantyx Assertion Criteria 2022. Collection method: clinical testing. Allele origin: germline. Inheritance: Autosomal recessive inheritance. Affected: no.
Comment: This is a nonsynonymous variant in the GUCY2D gene (OMIM: 600179). Pathogenic variants in this gene have been associated with autosomal recessive GUCY2D-related disorders. This variant has been identified in the homozygous or compound heterozygous state in at least one individuals reported in the published literature (PMID: 16505055 ) (PM3). This variant lies within a known hotspot for pathogenic variants or a well-established critical functional domain of the GUCY2D protein (PM1_Supporting), and multiple computational algorithms predict a deleterious effect for this variant (REVEL score: 0.794) (PP3). This variant has a 0.0013% maximum allele frequency in non-founder control populations (PM2). Based on the current evidence, this variant is classified as likely pathogenic for autosomal recessive GUCY2D-related disorders.

Labcorp Genetics (formerly Invitae), Labcorp
Classification: Uncertain significance for Leber congenital amaurosis 1; Cone-rod dystrophy 6. Last evaluated: 2025-06-09. Review status: criteria provided, single submitter. Criteria: Invitae Variant Classification Sherloc (09022015). Collection method: clinical testing. Allele origin: germline.
Comment: This sequence change replaces alanine, which is neutral and non-polar, with valine, which is neutral and non-polar, at codon 946 of the GUCY2D protein (p.Ala946Val). This variant is present in population databases (rs61750180, gnomAD 0.007%). This missense change has been observed in individual(s) with Leber congenital amaurosis (PMID: 16505055). In at least one individual the data is consistent with being in trans (on the opposite chromosome) from a pathogenic variant. ClinVar contains an entry for this variant (Variation ID: 98576). Invitae Evidence Modeling of protein sequence and biophysical properties (such as structural, functional, and spatial information, amino acid conservation, physicochemical variation, residue mobility, and thermodynamic stability) has been performed for this missense variant. However, the output from this modeling did not meet the statistical confidence thresholds required to predict the impact of this variant on GUCY2D protein function. This variant disrupts the p.Ala946 amino acid residue in GUCY2D. Other variant(s) that disrupt this residue have been observed in individuals with GUCY2D-related conditions (PMID: 28341476, 33970760), which suggests that this may be a clinically significant amino acid residue. In summary, the available evidence is currently insufficient to determine the role of this variant in disease. Therefore, it has been classified as a Variant of Uncertain Significance.

Retina International
No classification provided. Review status: no classification provided. Collection method: not provided. Allele origin: not provided. Not counted in ClinVar's aggregate classification.

Literature cited by the submitters: PubMed 16505055 (cited by Variantyx, Inc. and Labcorp Genetics (formerly Invitae), Labcorp); PubMed 28341476 (cited by Labcorp Genetics (formerly Invitae), Labcorp); PubMed 33970760 (cited by Labcorp Genetics (formerly Invitae), Labcorp).